The following is an entry in ClinVar:

NM_005045.4(RELN):c.157G>A (p.Gly53Ser)

Gene: RELN (reelin; minus strand). Cytogenetic location: 7q22.1.
Variant type: single nucleotide variant.
Coding change: c.157G>A on transcript NM_005045.4 (MANE Select); coding-DNA position 157, G replaced by A.
Protein change: p.Gly53Ser; replaces glycine 53 with serine.
Molecular consequence: missense variant.
Genome position (GRCh38, 1-based): chr7:103,989,200, C>T on the plus strand (G>A on the coding strand, the complement: RELN is on the minus strand). VCF-style: chr7-103989200-C-T. GRCh37 (hg19) VCF-style: chr7-103629647-C-T.
Other names: c.157G>A, p.Gly53Ser (NM_173054.3); short protein forms G53S.
Identifiers: ClinVar variation 4782848 (VCV004782848.1).

ClinVar aggregate classification (germline): Uncertain significance (1 of 4 stars; one submission).

Conditions:
Norman-Roberts syndrome (LIS2). Also called: Lissencephaly 2 (Norman-Roberts type). Identifiers: Orphanet 89844, MedGen C0796089, MONDO:0009760, OMIM 257320.
Familial temporal lobe epilepsy 7. Identifiers: Orphanet 101046, MedGen C4225327, MONDO:0014639, OMIM 616436.

gnomAD v4.1: 1 of 1,614,120 alleles (0.000062%); highest among the groups gnomAD compares: Non-Finnish European, 0.000085%; no homozygotes.

Submission:

Labcorp Genetics (formerly Invitae), Labcorp
Classification: Uncertain significance for Familial temporal lobe epilepsy 7; Norman-Roberts syndrome. Last evaluated: 2025-12-24. Review status: criteria provided, single submitter. Criteria: Invitae Variant Classification Sherloc (09022015). Collection method: clinical testing. Allele origin: germline.
Comment: This sequence change replaces glycine, which is neutral and non-polar, with serine, which is neutral and polar, at codon 53 of the RELN protein (p.Gly53Ser). This variant is not present in population databases (gnomAD no frequency). This variant has not been reported in the literature in individuals affected with RELN-related conditions. Invitae Evidence Modeling of protein sequence and biophysical properties (such as structural, functional, and spatial information, amino acid conservation, physicochemical variation, residue mobility, and thermodynamic stability) indicates that this missense variant is not expected to disrupt RELN protein function with a negative predictive value of 80%. In summary, the available evidence is currently insufficient to determine the role of this variant in disease. Therefore, it has been classified as a Variant of Uncertain Significance.